The following is an entry in ClinVar:

NM_004006.3(DMD):c.4471A>G (p.Lys1491Glu)

Gene: DMD (dystrophin; minus strand). Cytogenetic location: Xp21.1.
Variant type: single nucleotide variant.
Coding change: c.4471A>G on transcript NM_004006.3 (MANE Select); coding-DNA position 4471, A replaced by G.
Protein change: p.Lys1491Glu; replaces lysine 1491 with glutamic acid.
Molecular consequence: missense variant.
Genome position (GRCh38, 1-based): chrX:32,389,548, T>C on the plus strand (A>G on the coding strand, the complement: DMD is on the minus strand). VCF-style: chrX-32389548-T-C. GRCh37 (hg19) VCF-style: chrX-32407665-T-C.
Other names: c.4447A>G, p.Lys1483Glu (NM_000109.4); c.4459A>G, p.Lys1487Glu (NM_004009.3); c.4102A>G, p.Lys1368Glu (NM_004010.3); c.448A>G, p.Lys150Glu (NM_004011.4); c.439A>G, p.Lys147Glu (NM_004012.4); short protein forms K1368E, K1483E, K1487E, K150E, K1491E, K147E.
Identifiers: ClinVar variation 1365060 (VCV001365060.8), dbSNP rs1215768839, ClinGen allele CA412663095.

ClinVar aggregate classification (germline): Uncertain significance (1 of 4 stars; one submission).

Conditions:
Duchenne muscular dystrophy (DMD). Also called: MUSCULAR DYSTROPHY, PSEUDOHYPERTROPHIC PROGRESSIVE, DUCHENNE TYPE; Duchenne Muscular Dystrophy (DMD). Identifiers: Orphanet 98896, MedGen C0013264, MONDO:0010679, OMIM 310200.

Allele frequency attached by ClinVar (database versions not stated): gnomAD exomes below 0.00001; TOPMed 0.00002.
gnomAD v4.1: 1 of 1,211,243 alleles (0.000083%); highest among the groups gnomAD compares: African/African-American, 0.0017%; no homozygotes.

Submission:

Labcorp Genetics (formerly Invitae), Labcorp
Classification: Uncertain significance for Duchenne muscular dystrophy. Last evaluated: 2024-10-28. Review status: criteria provided, single submitter. Criteria: Invitae Variant Classification Sherloc (09022015). Collection method: clinical testing. Allele origin: germline.
Comment: This sequence change replaces lysine, which is basic and polar, with glutamic acid, which is acidic and polar, at codon 1491 of the DMD protein (p.Lys1491Glu). This variant is not present in population databases (gnomAD no frequency). This variant has not been reported in the literature in individuals affected with DMD-related conditions. ClinVar contains an entry for this variant (Variation ID: 1365060). Invitae Evidence Modeling of protein sequence and biophysical properties (such as structural, functional, and spatial information, amino acid conservation, physicochemical variation, residue mobility, and thermodynamic stability) indicates that this missense variant is not expected to disrupt DMD protein function with a negative predictive value of 95%. In summary, the available evidence is currently insufficient to determine the role of this variant in disease. Therefore, it has been classified as a Variant of Uncertain Significance.